The following is an entry in ClinVar:

ClinVar aggregate classification (germline): Pathogenic (1 of 4 stars; one submission).

Conditions:
LAMA2-related muscular dystrophy (LAMA2-RD). Also called: Laminin alpha 2-related dystrophy. Identifiers: MedGen C5679788, MONDO:0100228.

Submission:

Myriad Genetics, Inc.
Classification: Pathogenic for LAMA2-related muscular dystrophy. Last evaluated: 2023-09-27. Review status: criteria provided, single submitter. Criteria: Myriad Autosomal Dominant, Autosomal Recessive and X-Linked Classification Criteria (2023). Collection method: clinical testing. Allele origin: unknown.
Comment: NM_000426.3(LAMA2):c.4992dupC(G1665Rfs*5) is expected to be pathogenic in the context of muscular dystrophy, LAMA2-related. This variant is predicted to lead to an abnormal or absent protein product due to the creation of a premature termination codon in LAMA2, a gene where loss-of-function variants are known to be pathogenic. Please note: this variant was assessed in the context of healthy population screening.

NM_000426.4(LAMA2):c.4992dup (p.Gly1665fs)

Gene: LAMA2 (laminin subunit alpha 2; plus strand). Cytogenetic location: 6q22.33.
Variant type: Duplication.
Coding change: c.4992dup on transcript NM_000426.4 (MANE Select); coding-DNA position 4992, one base duplicated (C; older notation c.4992dupC).
Protein change: p.Gly1665fs; shifts the reading frame from glycine 1665.
Molecular consequence: frameshift variant.
Genome position (GRCh38, 1-based): chr6:129,383,154, C duplicated; the last of 2 consecutive C bases (chr6:129,383,153-129,383,154); duplicating either gives the same sequence. VCF-style (leftmost placement, unchanged base first): chr6-129383152-A-AC. GRCh37 (hg19) VCF-style: chr6-129704297-A-AC.
Other names: c.4992dup, p.Gly1665fs (NM_001079823.2); short protein forms G1665fs.
Identifiers: ClinVar variation 5011833 (VCV005011833.1).
Genomic context (GRCh38, chr6:129,383,152, plus strand): 5'-ATTATGTGTTTCCCGAATTTGGATCATTAGGCTACCAAAGTGACAGCAGATGGCGAGCAG[A>AC]CCGGACAGGATGCTGAGAGGACCAACACAAGAGCAAAGTCCCTGGGAGAATTCATTAAGG-3'